The following is an entry in ClinVar:

NM_000081.4(LYST):c.4058C>T (p.Thr1353Ile)

Gene: LYST (lysosomal trafficking regulator; minus strand). Cytogenetic location: 1q42.3.
Variant type: single nucleotide variant.
Coding change: c.4058C>T on transcript NM_000081.4 (MANE Select); coding-DNA position 4058, C replaced by T.
Protein change: p.Thr1353Ile; replaces threonine 1353 with isoleucine.
Molecular consequence: missense variant.
Genome position (GRCh38, 1-based): chr1:235,793,561, G>A on the plus strand (C>T on the coding strand, the complement: LYST is on the minus strand). VCF-style: chr1-235793561-G-A. GRCh37 (hg19) VCF-style: chr1-235956861-G-A.
Other names: c.4058C>T, p.Thr1353Ile (NM_001301365.1); short protein forms T1353I.
Identifiers: ClinVar variation 2104276 (VCV002104276.2), dbSNP rs1183262962, ClinGen allele CA344960730.

ClinVar aggregate classification (germline): Uncertain significance. Review status: criteria provided, multiple submitters, no conflicts (2 of 4 stars). 2 submissions from 2 submitters: Uncertain significance (2). Last evaluated 2024-06-17.

Conditions:
Chédiak-Higashi syndrome (CHS). Also called: Chediak-Higashi Syndrome. Identifiers: Orphanet 167, MedGen C0007965, MONDO:0008963, OMIM 214500.

Allele frequency attached by ClinVar (database versions not stated): gnomAD exomes below 0.00001; TOPMed 0.00001.
gnomAD v4.1: 2 of 1,602,986 alleles (0.00012%); highest among the groups gnomAD compares: Non-Finnish European, 0.00017%; no homozygotes.

Submissions (2):

Women's Health and Genetics/Laboratory Corporation of America, LabCorp
Classification: Uncertain significance. Last evaluated: 2024-06-17. Review status: criteria provided, single submitter. Criteria: LabCorp Variant Classification Summary - May 2015. Collection method: clinical testing. Allele origin: germline.
Comment: Variant summary: LYST c.4058C>T (p.Thr1353Ile) results in a non-conservative amino acid change in the encoded protein sequence. Three of five in-silico tools predict a benign effect of the variant on protein function. The variant allele was found at a frequency of 4e-06 in 249630 control chromosomes. The available data on variant occurrences in the general population are insufficient to allow any conclusion about variant significance. To our knowledge, no occurrence of c.4058C>T in individuals affected with Chediak-Higashi Syndrome and no experimental evidence demonstrating its impact on protein function have been reported. ClinVar contains an entry for this variant (Variation ID: 2104276). Based on the evidence outlined above, the variant was classified as uncertain significance.

Labcorp Genetics (formerly Invitae), Labcorp
Classification: Uncertain significance for Chédiak-Higashi syndrome. Last evaluated: 2022-03-06. Review status: criteria provided, single submitter. Criteria: Invitae Variant Classification Sherloc (09022015). Collection method: clinical testing. Allele origin: germline.
Comment: This sequence change replaces threonine, which is neutral and polar, with isoleucine, which is neutral and non-polar, at codon 1353 of the LYST protein (p.Thr1353Ile). This variant is present in population databases (no rsID available, gnomAD 0.0009%). This variant has not been reported in the literature in individuals affected with LYST-related conditions. Algorithms developed to predict the effect of missense changes on protein structure and function (SIFT, PolyPhen-2, Align-GVGD) all suggest that this variant is likely to be tolerated. In summary, the available evidence is currently insufficient to determine the role of this variant in disease. Therefore, it has been classified as a Variant of Uncertain Significance.